The following is an entry in ClinVar:

NM_000122.2(ERCC3):c.144G>C (p.Glu48Asp)

Gene: ERCC3 (ERCC excision repair 3, TFIIH core complex helicase subunit; minus strand). Cytogenetic location: 2q14.3.
Variant type: single nucleotide variant.
Coding change: c.144G>C on transcript NM_000122.2 (MANE Select); coding-DNA position 144, G replaced by C.
Protein change: p.Glu48Asp; replaces glutamic acid 48 with aspartic acid.
Molecular consequence: missense variant. On other transcripts: 5 prime UTR variant (2).
Genome position (GRCh38, 1-based): chr2:127,293,603, C>G on the plus strand (G>C on the coding strand, the complement: ERCC3 is on the minus strand). VCF-style: chr2-127293603-C-G. GRCh37 (hg19) VCF-style: chr2-128051179-C-G.
Other names: c.-49G>C (NM_001303416.2, NM_001303418.2); short protein forms E48D.
Identifiers: ClinVar variation 893901 (VCV000893901.9), dbSNP rs149309991, ClinGen allele CA1858611.

ClinVar aggregate classification (germline): Uncertain significance. Review status: criteria provided, multiple submitters, no conflicts (2 of 4 stars). 5 submissions from 5 submitters: Uncertain significance (5). Last evaluated 2022-11-01.

Conditions:
Xeroderma pigmentosum group B. Also called: XP, GROUP B; XPB/CS; XERODERMA PIGMENTOSUM B/COCKAYNE SYNDROME; ERCC3-Related Xeroderma Pigmentosum. Identifiers: MedGen C0268136, MONDO:0012531, OMIM 610651.
Trichothiodystrophy 2, photosensitive (TTD2). Identifiers: Orphanet 33364, MedGen C4225344, MONDO:0014615, OMIM 616390.
Xeroderma pigmentosum (XP). Identifiers: Orphanet 910, MedGen C0043346, MONDO:0019600.

Allele frequency attached by ClinVar (database versions not stated): 1000 Genomes Project 0.00020; ExAC 0.00020; gnomAD exomes 0.00024 and 0.00031; 1000 Genomes Project 30x 0.00031; ESP Exome Variant Server 0.00031; TOPMed 0.00038; gnomAD 0.00048 and 0.00051.

Submissions (5):

Labcorp Genetics (formerly Invitae), Labcorp
Classification: Uncertain significance. Last evaluated: 2022-11-01. Review status: criteria provided, single submitter. Criteria: Invitae Variant Classification Sherloc (09022015). Collection method: clinical testing. Allele origin: germline.
Comment: This sequence change replaces glutamic acid, which is acidic and polar, with aspartic acid, which is acidic and polar, at codon 48 of the ERCC3 protein (p.Glu48Asp). This variant is present in population databases (rs149309991, gnomAD 0.08%). This variant has not been reported in the literature in individuals affected with ERCC3-related conditions. ClinVar contains an entry for this variant (Variation ID: 893901). Advanced modeling of protein sequence and biophysical properties (such as structural, functional, and spatial information, amino acid conservation, physicochemical variation, residue mobility, and thermodynamic stability) performed at Invitae indicates that this missense variant is not expected to disrupt ERCC3 protein function. In summary, the available evidence is currently insufficient to determine the role of this variant in disease. Therefore, it has been classified as a Variant of Uncertain Significance.

Fulgent Genetics
Classification: Uncertain significance for Xeroderma pigmentosum group B; Trichothiodystrophy 2, photosensitive. Last evaluated: 2022-05-04. Review status: criteria provided, single submitter. Criteria: ACMG Guidelines, 2015. Collection method: clinical testing. Allele origin: unknown.

Sema4
Classification: Uncertain significance for Xeroderma pigmentosum. Last evaluated: 2021-09-08. Review status: criteria provided, single submitter. Criteria: Sema4 Curation Guidelines. Collection method: curation. Allele origin: germline.
Comment: The ERCC3 c.144G>C (p.E48D) variant has been reported in 1 individual with primary immunodeficiencies (PID) (PMID 31681265). This variant was observed in 29/35436 chromosomes in the Latino population, according to the Genome Aggregation Database (PMID: 32461654). This variant has been reported in ClinVar (Variation ID: 893901). Functional studies have not been performed, and in silico predictions of the variant's effect on protein function are inconclusive. The evidence is insufficient to meet ACMG/AMP criteria for classifying the variant as benign or pathogenic. Thus, the clinical significance of this variant is currently uncertain.

Illumina Laboratory Services, Illumina
Classification: Uncertain significance for Xeroderma pigmentosum group B. Last evaluated: 2017-04-27. Review status: criteria provided, single submitter. Criteria: ICSL Variant Classification Criteria 13 December 2019. Collection method: clinical testing. Allele origin: germline.

Breakthrough Genomics
Classification: Uncertain significance. Review status: criteria provided, single submitter. Criteria: ACMG Guidelines, 2015. Collection method: not provided. Allele origin: germline. Inheritance: Autosomal recessive inheritance. Affected: yes.

Literature cited by the submitters: PubMed 31681265 (cited by Sema4).